The following is an entry in ClinVar:

NM_006258.4(PRKG1):c.1962T>C (p.Ser654=)

Gene: PRKG1 (protein kinase cGMP-dependent 1; plus strand). Cytogenetic location: 10q21.1.
Variant type: single nucleotide variant.
Coding change: c.1962T>C on transcript NM_006258.4 (MANE Select); coding-DNA position 1962, T replaced by C.
Protein change: p.Ser654=; no amino-acid change (serine 654 retained).
Molecular consequence: synonymous variant.
Genome position (GRCh38, 1-based): chr10:52,290,290, T>C. VCF-style: chr10-52290290-T-C. GRCh37 (hg19) VCF-style: chr10-54050050-T-C.
Other names: c.1962T>C, p.Ser654= (LRG_1135t1); c.1917T>C, p.Ser639= (LRG_1135t2, NM_001098512.3).
Identifiers: ClinVar variation 507180 (VCV000507180.4), dbSNP rs767330363, ClinGen allele CA5503977.

ClinVar aggregate classification (germline): Conflicting classifications of pathogenicity. Review status: criteria provided, conflicting classifications (1 of 4 stars). 2 submissions from 2 submitters: Uncertain significance (1); Likely benign (1). Last evaluated 2025-06-20.

Conditions:
Aortic aneurysm, familial thoracic 8 (AAT8). Identifiers: MedGen C3809513, MONDO:0014187, OMIM 615436.

Allele frequency attached by ClinVar (database versions not stated): ExAC 0.00001; gnomAD exomes 0.00001 and 0.00002; gnomAD 0.00002; TOPMed 0.00002.
gnomAD v4.1: 35 of 1,605,528 alleles (0.0022%); highest among the groups gnomAD compares: Non-Finnish European, 0.0028%; no homozygotes.

Submissions (2):

Labcorp Genetics (formerly Invitae), Labcorp
Classification: Uncertain significance for Aortic aneurysm, familial thoracic 8. Last evaluated: 2025-06-20. Review status: criteria provided, single submitter. Criteria: Invitae Variant Classification Sherloc (09022015). Collection method: clinical testing. Allele origin: germline.
Comment: This sequence change affects codon 654 of the PRKG1 mRNA. It is a 'silent' change, meaning that it does not change the encoded amino acid sequence of the PRKG1 protein. It affects a nucleotide within the consensus splice site. This variant is present in population databases (rs767330363, gnomAD 0.004%). This variant has not been reported in the literature in individuals affected with PRKG1-related conditions. ClinVar contains an entry for this variant (Variation ID: 507180). Algorithms developed to predict the effect of sequence changes on RNA splicing suggest that this variant is not likely to affect RNA splicing. In summary, the available evidence is currently insufficient to determine the role of this variant in disease. Therefore, it has been classified as a Variant of Uncertain Significance.

GeneDx
Classification: Likely benign. Last evaluated: 2017-01-31. Review status: criteria provided, single submitter. Criteria: GeneDx Variant Classification (06012015). Collection method: clinical testing. Allele origin: germline. Affected: yes.
Comment: This variant is considered likely benign or benign based on one or more of the following criteria: it is a conservative change, it occurs at a poorly conserved position in the protein, it is predicted to be benign by multiple in silico algorithms, and/or has population frequency not consistent with disease.